The following is an entry in ClinVar:

ClinVar aggregate classification (germline): Likely benign. Review status: criteria provided, multiple submitters, no conflicts (2 of 4 stars). 3 submissions from 3 submitters: Likely benign (2). 1 of the submissions does not count toward it. Last evaluated 2022-07-23.

Conditions:
Inborn genetic diseases. Identifiers: MedGen C0950123, MeSH D030342.
GLUD1-related disorder. Also called: GLUD1-related condition.
Hyperinsulinism-hyperammonemia syndrome (HHF6). Identifiers: Orphanet 35878, MedGen C1847555, MONDO:0011717, OMIM 606762.

Allele frequency attached by ClinVar (database versions not stated): gnomAD 0.00003; ExAC 0.00005; TOPMed 0.00005; gnomAD exomes 0.00007; 1000 Genomes Project 30x 0.00016; 1000 Genomes Project 0.00020.
gnomAD v4.1: 117 of 1,613,970 alleles (0.0072%); highest among the groups gnomAD compares: Non-Finnish European, 0.0083%; no homozygotes.

Submissions (3):

Labcorp Genetics (formerly Invitae), Labcorp
Classification: Likely benign for Hyperinsulinism-hyperammonemia syndrome. Last evaluated: 2022-07-23. Review status: criteria provided, single submitter. Criteria: Invitae Variant Classification Sherloc (09022015). Collection method: clinical testing. Allele origin: germline.

Ambry Genetics
Classification: Likely benign for Inborn genetic diseases. Last evaluated: 2019-10-23. Review status: criteria provided, single submitter. Criteria: Ambry Variant Classification Scheme 2023. Collection method: clinical testing. Allele origin: germline.

PreventionGenetics, part of Exact Sciences
Classification: Likely benign for GLUD1-related condition. Last evaluated: 2019-07-10. Review status: no assertion criteria provided. Collection method: clinical testing. Allele origin: germline. Not counted in ClinVar's aggregate classification.
Comment: This variant is classified as likely benign based on ACMG/AMP sequence variant interpretation guidelines (Richards et al. 2015 PMID: 25741868, with internal and published modifications).

NM_005271.5(GLUD1):c.756C>T (p.His252=)

Gene: GLUD1 (glutamate dehydrogenase 1; minus strand). Cytogenetic location: 10q23.2.
Variant type: single nucleotide variant.
Coding change: c.756C>T on transcript NM_005271.5 (MANE Select); coding-DNA position 756, C replaced by T.
Protein change: p.His252=; no amino-acid change (histidine 252 retained).
Molecular consequence: synonymous variant.
Genome position (GRCh38, 1-based): chr10:87,062,821, G>A on the plus strand (C>T on the coding strand, the complement: GLUD1 is on the minus strand). VCF-style: chr10-87062821-G-A. GRCh37 (hg19) VCF-style: chr10-88822578-G-A.
Other names: c.357C>T, p.His119= (NM_001318900.1); c.255C>T, p.His85= (NM_001318901.1, NM_001318902.1, NM_001318904.2 and 2 more transcripts); c.756C>T (NM_005271.4).
Identifiers: ClinVar variation 1759569 (VCV001759569.9), dbSNP rs534361584, ClinGen allele CA5587578.